The following is an entry in ClinVar:

NM_199242.3(UNC13D):c.1772C>T (p.Pro591Leu)

Gene: UNC13D (unc-13 homolog D; minus strand). Cytogenetic location: 17q25.1.
Variant type: single nucleotide variant.
Coding change: c.1772C>T on transcript NM_199242.3 (MANE Select); coding-DNA position 1772, C replaced by T.
Protein change: p.Pro591Leu; replaces proline 591 with leucine.
Molecular consequence: missense variant.
Genome position (GRCh38, 1-based): chr17:75,835,485, G>A on the plus strand (C>T on the coding strand, the complement: UNC13D is on the minus strand). VCF-style: chr17-75835485-G-A. GRCh37 (hg19) VCF-style: chr17-73831566-G-A.
Other names: short protein forms P591L.
Identifiers: ClinVar variation 325259 (VCV000325259.19), dbSNP rs144852879, ClinGen allele CA8772815.
Genomic context (GRCh38, chr17:75,835,485, plus strand): 5'-GCGCGCTGCACCCGCGCCAGGGCCTCGTTGTACGTCTTCTGCAGCCAGGAGGGGATGGCC[G>A]GCTGGAACCAGCGGTGGAAATTATCCAGGGCCAGGACTCCATCCCTGGGGATTGCCGGGG-3'
Protein context (NP_954712.1, residues 581-601): ALDNFHRWFQ[Pro591Leu]AIPSWLQKTY

ClinVar aggregate classification (germline): Uncertain significance. Review status: criteria provided, multiple submitters, no conflicts (2 of 4 stars). 9 submissions from 9 submitters: Uncertain significance (7). 2 of the submissions do not count toward it. Last evaluated 2024-11-15.

Conditions:
Autoinflammatory syndrome. Identifiers: Orphanet 93665, MedGen C3890737, MONDO:0019751.
Familial hemophagocytic lymphohistiocytosis 3 (FHL3). Also called: UNC13D-Related Familial Hemophagocytic Lymphohistiocytosis (UNC13D-fHLH). Identifiers: Orphanet 540, MedGen C1837174, MONDO:0012146, OMIM 608898.

Allele frequency attached by ClinVar (database versions not stated): 1000 Genomes Project 30x 0.00031; 1000 Genomes Project 0.00040; ESP Exome Variant Server 0.00046; TOPMed 0.00067; gnomAD 0.00069 and 0.00073; gnomAD exomes 0.00071; ExAC 0.00092.
gnomAD v4.1: 1,440 of 1,611,814 alleles (0.089%); highest among the groups gnomAD compares: Non-Finnish European, 0.11%; 1 homozygote.

Submissions (9):

Blueprint Genetics
Classification: Uncertain significance. Last evaluated: 2024-11-15. Review status: criteria provided, single submitter. Criteria: ACMG Guidelines, 2015. Collection method: clinical testing. Allele origin: germline.

GeneDx
Classification: Uncertain significance. Last evaluated: 2024-04-30. Review status: criteria provided, single submitter. Criteria: GeneDx Variant Classification Process June 2021. Collection method: clinical testing. Allele origin: germline. Affected: yes.
Comment: Observed in the homozygous state in an individual with hemophagocytic lymphohistiocytosis (PMID: 33746956); In silico analysis supports that this missense variant has a deleterious effect on protein structure/function; This variant is associated with the following publications: (PMID: 33746956)

Labcorp Genetics (formerly Invitae), Labcorp
Classification: Uncertain significance for Familial hemophagocytic lymphohistiocytosis 3. Last evaluated: 2022-11-01. Review status: criteria provided, single submitter. Criteria: Invitae Variant Classification Sherloc (09022015). Collection method: clinical testing. Allele origin: germline.
Comment: This sequence change replaces proline, which is neutral and non-polar, with leucine, which is neutral and non-polar, at codon 591 of the UNC13D protein (p.Pro591Leu). This variant is present in population databases (rs144852879, gnomAD 0.1%), and has an allele count higher than expected for a pathogenic variant. This missense change has been observed in individual(s) with hemophagocytic lymphohistiocytosis (PMID: 33746956). ClinVar contains an entry for this variant (Variation ID: 325259). Advanced modeling of protein sequence and biophysical properties (such as structural, functional, and spatial information, amino acid conservation, physicochemical variation, residue mobility, and thermodynamic stability) performed at Invitae indicates that this missense variant is not expected to disrupt UNC13D protein function. In summary, the available evidence is currently insufficient to determine the role of this variant in disease. Therefore, it has been classified as a Variant of Uncertain Significance.

Fulgent Genetics
Classification: Uncertain significance for Familial hemophagocytic lymphohistiocytosis 3. Last evaluated: 2022-04-26. Review status: criteria provided, single submitter. Criteria: ACMG Guidelines, 2015. Collection method: clinical testing. Allele origin: unknown.

Center for Genomics, Ann and Robert H. Lurie Children's Hospital of Chicago
Classification: Uncertain significance for Familial hemophagocytic lymphohistiocytosis 3. Last evaluated: 2021-03-30. Review status: criteria provided, single submitter. Criteria: ACMG Guidelines, 2015. Collection method: clinical testing. Allele origin: germline.
Comment: UNC13D NM_199242.2 exon 20 p.Pro591Leu (c.1772C>T): This variant has not been reported in the literature but is present in 0.1% (78/68036) of European alleles in the Genome Aggregation Database. This variant is present in ClinVar (Variation ID:325259). Evolutionary conservation suggests that this variant may not impact the protein; computational predictive tools for this variant are unclear. In summary, data on this variant is insufficient for disease classification. Therefore, the clinical significance of this variant is uncertain.

Illumina Laboratory Services, Illumina
Classification: Uncertain significance for Familial hemophagocytic lymphohistiocytosis 3. Last evaluated: 2018-01-12. Review status: criteria provided, single submitter. Criteria: ICSL Variant Classification Criteria 13 December 2019. Collection method: clinical testing. Allele origin: germline.

Genome Diagnostics Laboratory, The Hospital for Sick Children
Classification: Uncertain significance for Autoinflammatory syndrome. Last evaluated: 2016-12-12. Review status: criteria provided, single submitter. Criteria: ACMG Guidelines, 2015. Collection method: clinical testing. Allele origin: germline. Affected: yes.

Clinical Genetics DNA and cytogenetics Diagnostics Lab, Erasmus MC, Erasmus Medical Center
Classification: Uncertain significance. Review status: no assertion criteria provided. Collection method: clinical testing. Allele origin: germline. Affected: yes. Study: VKGL Data-share Consensus. Not counted in ClinVar's aggregate classification.

Diagnostic Laboratory, Department of Genetics, University Medical Center Groningen
Classification: Uncertain significance. Review status: no assertion criteria provided. Collection method: clinical testing. Allele origin: germline. Affected: yes. Study: VKGL Data-share Consensus. Not counted in ClinVar's aggregate classification.

Literature cited by the submitters: PubMed 33746956 (cited by Labcorp Genetics (formerly Invitae), Labcorp).